The following is an entry in ClinVar:

NM_001378454.1(ALMS1):c.9263A>G (p.His3088Arg)

Gene: ALMS1 (ALMS1 centrosome and basal body associated protein; plus strand). Cytogenetic location: 2p13.1.
Variant type: single nucleotide variant.
Coding change: c.9263A>G on transcript NM_001378454.1 (MANE Select); coding-DNA position 9263, A replaced by G.
Protein change: p.His3088Arg; replaces histidine 3088 with arginine.
Molecular consequence: missense variant.
Genome position (GRCh38, 1-based): chr2:73,491,222, A>G. VCF-style: chr2-73491222-A-G. GRCh37 (hg19) VCF-style: chr2-73718349-A-G.
Other names: c.9266A>G, p.His3089Arg (NM_015120.4); short protein forms H3089R, H3088R.
Identifiers: ClinVar variation 497647 (VCV000497647.16), dbSNP rs376083621, ClinGen allele CA1714627.
Genomic context (GRCh38, chr2:73,491,222, plus strand): 5'-TCCATTCATTGGATGCTGCTTCTAAAGCGAGGATGAATAGTGAGTTTAACTTTGACTTAC[A>G]TACTGTATCTTCGAGATCACTGGAACCAACCTCCAAATTATTGACCAGTAAACCTGTAGC-3'
Protein context (NP_001365383.1, residues 3078-3098): RMNSEFNFDL[His3088Arg]TVSSRSLEPT

ClinVar aggregate classification (germline): Uncertain significance. Review status: criteria provided, multiple submitters, no conflicts (2 of 4 stars). 7 submissions from 7 submitters: Uncertain significance (5). 2 of the submissions do not count toward it. Last evaluated 2024-09-11.

Conditions:
Cardiovascular phenotype. Identifiers: MedGen CN230736.
Alstrom syndrome (ALMS). Identifiers: Orphanet 64, MedGen C0268425, MONDO:0008763, OMIM 203800.

Allele frequency attached by ClinVar (database versions not stated): ExAC 0.00002; gnomAD exomes 0.00002 and 0.00003; TOPMed 0.00002; gnomAD 0.00004; ESP Exome Variant Server 0.00008.

Submissions (7):

GeneDx
Classification: Uncertain significance. Last evaluated: 2024-09-11. Review status: criteria provided, single submitter. Criteria: GeneDx Variant Classification Process June 2021. Collection method: clinical testing. Allele origin: germline. Affected: yes.
Comment: Not observed at significant frequency in large population cohorts (gnomAD); In silico analysis indicates that this missense variant does not alter protein structure/function; Has not been previously published as pathogenic or benign to our knowledge

Labcorp Genetics (formerly Invitae), Labcorp
Classification: Uncertain significance for Alstrom syndrome. Last evaluated: 2022-07-25. Review status: criteria provided, single submitter. Criteria: Invitae Variant Classification Sherloc (09022015). Collection method: clinical testing. Allele origin: germline.
Comment: This sequence change replaces histidine, which is basic and polar, with arginine, which is basic and polar, at codon 3089 of the ALMS1 protein (p.His3089Arg). This variant is present in population databases (rs376083621, gnomAD 0.005%). This variant has not been reported in the literature in individuals affected with ALMS1-related conditions. ClinVar contains an entry for this variant (Variation ID: 497647). In summary, the available evidence is currently insufficient to determine the role of this variant in disease. Therefore, it has been classified as a Variant of Uncertain Significance.

Fulgent Genetics
Classification: Uncertain significance for Alstrom syndrome. Last evaluated: 2022-05-25. Review status: criteria provided, single submitter. Criteria: ACMG Guidelines, 2015. Collection method: clinical testing. Allele origin: unknown.

Ambry Genetics
Classification: Uncertain significance for Cardiovascular phenotype. Last evaluated: 2022-05-04. Review status: criteria provided, single submitter. Criteria: Ambry Variant Classification Scheme 2023. Collection method: clinical testing. Allele origin: germline.
Comment: The p.H3089R variant (also known as c.9266A>G), located in coding exon 10 of the ALMS1 gene, results from an A to G substitution at nucleotide position 9266. The histidine at codon 3089 is replaced by arginine, an amino acid with highly similar properties. This amino acid position is poorly conserved in available vertebrate species. In addition, this alteration is predicted to be tolerated by in silico analysis. Since supporting evidence is limited at this time, the clinical significance of this alteration remains unclear.

Eurofins Ntd Llc (ga)
Classification: Uncertain significance. Last evaluated: 2016-11-15. Review status: criteria provided, single submitter. Criteria: EGL Classification Definitions 2015. Collection method: clinical testing. Allele origin: germline. Observed: 1 variant allele, 1 heterozygote.

Natera, Inc.
Classification: Uncertain significance for Alstrom syndrome. Last evaluated: 2020-09-16. Review status: no assertion criteria provided. Collection method: clinical testing. Allele origin: germline. Not counted in ClinVar's aggregate classification.

Counsyl
Classification: Uncertain significance for Alstrom syndrome. Last evaluated: 2017-03-28. Review status: no assertion criteria provided. Collection method: clinical testing. Allele origin: unknown. Not counted in ClinVar's aggregate classification.